The following is an entry in ClinVar:

NM_000426.4(LAMA2):c.184G>T (p.Gly62Ter)

Gene: LAMA2 (laminin subunit alpha 2; plus strand). Cytogenetic location: 6q22.33.
Variant type: single nucleotide variant.
Coding change: c.184G>T on transcript NM_000426.4 (MANE Select); coding-DNA position 184, G replaced by T.
Protein change: p.Gly62Ter; replaces glycine 62 with a stop codon.
Molecular consequence: nonsense.
Genome position (GRCh38, 1-based): chr6:129,049,989, G>T. VCF-style: chr6-129049989-G-T. GRCh37 (hg19) VCF-style: chr6-129371134-G-T.
Other names: c.184G>T, p.Gly62Ter (NM_001079823.2); short protein forms G62*.
Identifiers: ClinVar variation 92942 (VCV000092942.18), dbSNP rs398123368, ClinGen allele CA220744.

ClinVar aggregate classification (germline): Pathogenic/Likely pathogenic. Review status: criteria provided, multiple submitters, no conflicts (2 of 4 stars). 4 submissions from 4 submitters: Pathogenic (2); Likely pathogenic (2). Last evaluated 2023-10-08.

Conditions:
Muscular dystrophy, limb-girdle, autosomal recessive 23. Identifiers: Orphanet 565837, MedGen C4748327, MONDO:0029136, OMIM 618138.
Merosin deficient congenital muscular dystrophy (MDC1A). Also called: Congenital merosin-deficient muscular dystrophy 1A; Congenital Muscular Dystrophy Type 1A (MDC1A). Identifiers: Orphanet 258, MedGen C1263858, MONDO:0011925, OMIM 607855.
LAMA2-related muscular dystrophy (LAMA2-RD). Also called: Laminin alpha 2-related dystrophy. Identifiers: MedGen C5679788, MONDO:0100228.

Allele frequency attached by ClinVar (database versions not stated): gnomAD exomes below 0.00001.
gnomAD v4.1: 1 of 1,614,032 alleles (0.000062%); highest among the groups gnomAD compares: Non-Finnish European, 0.000085%; no homozygotes.

Submissions (4):

Labcorp Genetics (formerly Invitae), Labcorp
Classification: Pathogenic for LAMA2-related muscular dystrophy. Last evaluated: 2023-10-08. Review status: criteria provided, single submitter. Criteria: Invitae Variant Classification Sherloc (09022015). Collection method: clinical testing. Allele origin: germline.
Comment: This sequence change creates a premature translational stop signal (p.Gly62*) in the LAMA2 gene. It is expected to result in an absent or disrupted protein product. Loss-of-function variants in LAMA2 are known to be pathogenic (PMID: 18700894, 32904964). This variant is not present in population databases (gnomAD no frequency). This variant has not been reported in the literature in individuals affected with LAMA2-related conditions. ClinVar contains an entry for this variant (Variation ID: 92942). For these reasons, this variant has been classified as Pathogenic.

Fulgent Genetics
Classification: Likely pathogenic for Merosin deficient congenital muscular dystrophy; Muscular dystrophy, limb-girdle, autosomal recessive 23. Last evaluated: 2022-03-31. Review status: criteria provided, single submitter. Criteria: ACMG Guidelines, 2015. Collection method: clinical testing. Allele origin: unknown.

Revvity Omics, Revvity
Classification: Likely pathogenic. Last evaluated: 2021-08-31. Review status: criteria provided, single submitter. Criteria: ACMG Guidelines, 2015. Collection method: clinical testing. Allele origin: germline.

Eurofins Ntd Llc (ga)
Classification: Pathogenic. Last evaluated: 2013-01-21. Review status: criteria provided, single submitter. Criteria: EGL Classification Definitions. Collection method: clinical testing. Allele origin: germline. Observed: 1 variant allele, 1 heterozygote.

Literature cited by the submitters: PubMed 18700894 (cited by Labcorp Genetics (formerly Invitae), Labcorp); PubMed 32904964 (cited by Labcorp Genetics (formerly Invitae), Labcorp).